The following is an entry in ClinVar:

NM_000384.3(APOB):c.12455A>G (p.Tyr4152Cys)

Gene: APOB (apolipoprotein B; minus strand). Cytogenetic location: 2p24.1.
Variant type: single nucleotide variant.
Coding change: c.12455A>G on transcript NM_000384.3 (MANE Select); coding-DNA position 12455, A replaced by G.
Protein change: p.Tyr4152Cys; replaces tyrosine 4152 with cysteine.
Molecular consequence: missense variant.
Genome position (GRCh38, 1-based): chr2:21,002,967, T>C on the plus strand (A>G on the coding strand, the complement: APOB is on the minus strand). VCF-style: chr2-21002967-T-C. GRCh37 (hg19) VCF-style: chr2-21225839-T-C.
Other names: short protein forms Y4152C.
Identifiers: ClinVar variation 4789278 (VCV004789278.1).

ClinVar aggregate classification (germline): Uncertain significance (1 of 4 stars; one submission).

Conditions:
Familial hypobetalipoproteinemia 1. Also called: APOB-Related Familial Hypobetalipoproteinemia; Hypobetalipoproteinemia, normotriglyceridemic; Acanthocytosis with hypobetalipoproteinemia. Identifiers: MedGen C4551990, MONDO:0014252, OMIM 615558.
Hypercholesterolemia, autosomal dominant, type B (FHCL2). Also called: APOB-Related Familial Hypercholesterolemia, Autosomal Dominant; Familial hypercholesterolemia 2; Familial Hypercholesterolemia Type B; APOLIPOPROTEIN B-100, FAMILIAL DEFECTIVE; APOLIPOPROTEIN B-100, FAMILIAL LIGAND-DEFECTIVE; HYPERCHOLESTEROLEMIA, FAMILIAL, DUE TO LIGAND-DEFECTIVE APOLIPOPROTEIN B. Identifiers: MedGen C1704417, MONDO:0007751, OMIM 144010.

Submission:

Labcorp Genetics (formerly Invitae), Labcorp
Classification: Uncertain significance for Familial hypobetalipoproteinemia 1; Hypercholesterolemia, autosomal dominant, type B. Last evaluated: 2026-01-21. Review status: criteria provided, single submitter. Criteria: Invitae Variant Classification Sherloc (09022015). Collection method: clinical testing. Allele origin: germline.
Comment: This sequence change replaces tyrosine, which is neutral and polar, with cysteine, which is neutral and slightly polar, at codon 4152 of the APOB protein (p.Tyr4152Cys). This variant is not present in population databases (gnomAD no frequency). This variant has not been reported in the literature in individuals affected with APOB-related conditions. Invitae Evidence Modeling of protein sequence and biophysical properties (such as structural, functional, and spatial information, amino acid conservation, physicochemical variation, residue mobility, and thermodynamic stability) indicates that this missense variant is not expected to disrupt APOB protein function with a negative predictive value of 95%. In summary, the available evidence is currently insufficient to determine the role of this variant in disease. Therefore, it has been classified as a Variant of Uncertain Significance.